The following is an entry in ClinVar:

NM_000526.5(KRT14):c.851T>C (p.Leu284Pro)

Gene: KRT14 (keratin 14; minus strand). Cytogenetic location: 17q21.2.
Variant type: single nucleotide variant.
Coding change: c.851T>C on transcript NM_000526.5 (MANE Select); coding-DNA position 851, T replaced by C.
Protein change: p.Leu284Pro; replaces leucine 284 with proline.
Molecular consequence: missense variant.
Genome position (GRCh38, 1-based): chr17:41,583,836, A>G on the plus strand (T>C on the coding strand, the complement: KRT14 is on the minus strand). VCF-style: chr17-41583836-A-G. GRCh37 (hg19) VCF-style: chr17-39740088-A-G.
Other names: short protein forms L284P.
Identifiers: ClinVar variation 1181276 (VCV001181276.5), dbSNP rs2144583093, ClinGen allele CA399477447.

ClinVar aggregate classification (germline): Uncertain significance. Review status: criteria provided, multiple submitters, no conflicts (2 of 4 stars). 2 submissions from 2 submitters: Uncertain significance (2). Last evaluated 2023-03-02.

Submissions (2):

Labcorp Genetics (formerly Invitae), Labcorp
Classification: Uncertain significance. Last evaluated: 2023-03-02. Review status: criteria provided, single submitter. Criteria: Invitae Variant Classification Sherloc (09022015). Collection method: clinical testing. Allele origin: germline.
Comment: In summary, the available evidence is currently insufficient to determine the role of this variant in disease. Therefore, it has been classified as a Variant of Uncertain Significance. Advanced modeling of protein sequence and biophysical properties (such as structural, functional, and spatial information, amino acid conservation, physicochemical variation, residue mobility, and thermodynamic stability) performed at Invitae indicates that this missense variant is expected to disrupt KRT14 protein function. ClinVar contains an entry for this variant (Variation ID: 1181276). This variant has not been reported in the literature in individuals affected with KRT14-related conditions. This variant is not present in population databases (gnomAD no frequency). This sequence change replaces leucine, which is neutral and non-polar, with proline, which is neutral and non-polar, at codon 284 of the KRT14 protein (p.Leu284Pro).

GeneDx
Classification: Uncertain significance. Last evaluated: 2019-07-17. Review status: criteria provided, single submitter. Criteria: GeneDx Variant Classification Process June 2021. Collection method: clinical testing. Allele origin: germline. Affected: yes.
Comment: Not observed in large population cohorts (Lek et al., 2016); In silico analysis, which includes protein predictors and evolutionary conservation, supports a deleterious effect; This variant is associated with the following publications: (PMID: 30286183)